The following is an entry in ClinVar:

ClinVar aggregate classification (germline): Uncertain significance (1 of 4 stars; one submission).

Submission:

GeneDx
Classification: Uncertain significance. Last evaluated: 2024-09-05. Review status: criteria provided, single submitter. Criteria: GeneDx Variant Classification Process June 2021. Collection method: clinical testing. Allele origin: germline. Affected: yes.
Comment: Not observed at significant frequency in large population cohorts (gnomAD); Has not been previously published as pathogenic or benign to our knowledge; In silico analysis suggests this variant may impact gene splicing. In the absence of RNA/functional studies, the actual effect of this sequence change is unknown.

NM_000088.4(COL1A1):c.2763A>G (p.Glu921=)

Gene: COL1A1 (collagen type I alpha 1 chain; minus strand). Cytogenetic location: 17q21.33.
Variant type: single nucleotide variant.
Coding change: c.2763A>G on transcript NM_000088.4 (MANE Select); coding-DNA position 2763, A replaced by G.
Protein change: p.Glu921=; no amino-acid change (glutamic acid 921 retained).
Molecular consequence: synonymous variant.
Genome position (GRCh38, 1-based): chr17:50,189,443, T>C on the plus strand (A>G on the coding strand, the complement: COL1A1 is on the minus strand). VCF-style: chr17-50189443-T-C. GRCh37 (hg19) VCF-style: chr17-48266804-T-C.
Identifiers: ClinVar variation 3767823 (VCV003767823.1).
Genomic context (GRCh38, chr17:50,189,443, plus strand): 5'-ACCATCAGCACCAGGGGATCCTTTCTCGCCAGCAGGGCCAGGGGGACCAGGGGGACCAAC[T>C]TCACCAGGACGTCCAGCAGGGCCAGTCTCACCACGGGGACCTTTGCCGCCTTCTTTGCCA-3'
Protein context (NP_000079.2, residues 911-931): GETGPAGRPG[Glu921=]VGPPGPPGPA